The following is an entry in ClinVar:

NM_001375524.1(TRRAP):c.1357G>A (p.Val453Ile)

Gene: TRRAP (transformation/transcription domain associated protein; plus strand). Cytogenetic location: 7q22.1.
Variant type: single nucleotide variant.
Coding change: c.1357G>A on transcript NM_001375524.1 (MANE Select); coding-DNA position 1357, G replaced by A.
Protein change: p.Val453Ile; replaces valine 453 with isoleucine.
Molecular consequence: missense variant.
Genome position (GRCh38, 1-based): chr7:98,910,062, G>A. VCF-style: chr7-98910062-G-A. GRCh37 (hg19) VCF-style: chr7-98507685-G-A.
Other names: c.1357G>A, p.Val453Ile (NM_001244580.2, NM_003496.4); short protein forms V453I.
Identifiers: ClinVar variation 1899061 (VCV001899061.5), dbSNP rs782754061, ClinGen allele CA4359506.

ClinVar aggregate classification (germline): Uncertain significance (1 of 4 stars; one submission).

Allele frequency attached by ClinVar (database versions not stated): ExAC 0.00001; TOPMed 0.00001; gnomAD 0.00002; gnomAD exomes 0.00002.
gnomAD v4.1: 26 of 1,535,338 alleles (0.0017%); highest among the groups gnomAD compares: Admixed American, 0.0021%; no homozygotes.

Submission:

Labcorp Genetics (formerly Invitae), Labcorp
Classification: Uncertain significance. Last evaluated: 2022-05-08. Review status: criteria provided, single submitter. Criteria: Invitae Variant Classification Sherloc (09022015). Collection method: clinical testing. Allele origin: germline.
Comment: In summary, the available evidence is currently insufficient to determine the role of this variant in disease. Therefore, it has been classified as a Variant of Uncertain Significance. Algorithms developed to predict the effect of missense changes on protein structure and function (SIFT, PolyPhen-2, Align-GVGD) all suggest that this variant is likely to be tolerated. This variant has not been reported in the literature in individuals affected with TRRAP-related conditions. This variant is present in population databases (rs782754061, gnomAD 0.006%). This sequence change replaces valine, which is neutral and non-polar, with isoleucine, which is neutral and non-polar, at codon 453 of the TRRAP protein (p.Val453Ile).